The following is an entry in ClinVar:

ClinVar aggregate classification (germline): Pathogenic (1 of 4 stars; one submission).

Conditions:
Hereditary breast ovarian cancer syndrome. Also called: Hereditary breast and/or ovarian cancer syndrome; BRCA1- and BRCA2-Associated Hereditary Breast and Ovarian Cancer; Hereditary breast and ovarian cancer syndrome; Hereditary breast and ovarian cancer; Hereditary breast and ovarian cancer syndrome (HBOC); Breast and ovarian cancer. Identifiers: Orphanet 145, MedGen C0677776, MeSH D061325, MONDO:0003582. Disease mechanism: loss of function.

Submissions (2):

Labcorp Genetics (formerly Invitae), Labcorp
Classification: Pathogenic for Hereditary breast ovarian cancer syndrome. Last evaluated: 2025-11-10. Review status: criteria provided, single submitter. Criteria: Invitae Variant Classification Sherloc (09022015). Collection method: clinical testing. Allele origin: germline.
Comment: This sequence change falls in intron 2 of the BRCA1 gene. It does not directly change the encoded amino acid sequence of the BRCA1 protein. RNA analysis indicates that this variant induces altered splicing and is likely to result in the loss of the initiator methionine. This variant is not present in population databases (gnomAD no frequency). This variant has not been reported in the literature in individuals affected with BRCA1-related conditions. ClinVar contains an entry for this variant (Variation ID: 865069). Algorithms developed to predict the effect of variants on gene product structure and function are not available or were not evaluated for this variant. Experimental studies have shown that this variant affects BRCA1 function (PMID: 30209399). Variants that disrupt the consensus splice site are a relatively common cause of aberrant splicing (PMID: 17576681, 9536098). Studies have shown that this variant results in skipping of exon 2, and is expected to result in the loss of the initiator methionine (internal data). Other variant(s) that result in the loss of exon 2 have been determined to be pathogenic (internal data). This suggests that this variant may also be clinically significant and likely to be disease-causing. For these reasons, this variant has been classified as Pathogenic.

Brotman Baty Institute, University of Washington
No classification provided (evidence only). Condition: Breast-ovarian cancer, familial 1. Review status: no classification provided. Collection method: in vitro. Allele origin: not applicable. Functional consequence: functionally_abnormal. Not counted in ClinVar's aggregate classification.
ClinVar note: "not provided" was previously submitted as the classification for the variant. However, the classification appeared to be based only on an observation of functional data so it was converted to no classification on 2025-07-30.

Literature cited by the submitters: PubMed 30209399 (cited by Labcorp Genetics (formerly Invitae), Labcorp); PubMed 17576681 (cited by Labcorp Genetics (formerly Invitae), Labcorp); PubMed 9536098 (cited by Labcorp Genetics (formerly Invitae), Labcorp).

NM_007294.4(BRCA1):c.80+3A>C

Gene: BRCA1 (BRCA1 DNA repair associated; minus strand). Cytogenetic location: 17q21.31.
Variant type: single nucleotide variant.
Coding change: c.80+3A>C on transcript NM_007294.4 (MANE Select); 3 bases into the intron after coding-DNA position 80, A replaced by C.
Molecular consequence: intron variant.
Genome position (GRCh38, 1-based): chr17:43,124,014, T>G on the plus strand (A>C on the coding strand, the complement: BRCA1 is on the minus strand). VCF-style: chr17-43124014-T-G. GRCh37 (hg19) VCF-style: chr17-41276031-T-G.
Other names: c.80+3A>C (NM_001407646.1, NM_001408445.1, NM_001408432.1 and 192 more transcripts); c.-340+3A>C (NM_001407965.1); c.-178+3A>C (NM_001407930.1, NM_001407843.1, NM_001408456.1 and 11 more transcripts); c.-182+3A>C (NM_001408465.1, NM_001407695.1); c.-254+3A>C (NM_001408482.1); c.-207+3A>C (NM_001407920.1, NM_001407697.1, NM_001407846.1); c.-323+3A>C (NM_001407696.1); c.-127+3A>C (NM_001407751.1, NM_001407726.1); and 23 more.
Identifiers: ClinVar variation 865069 (VCV000865069.6), dbSNP rs1567823106, ClinGen allele CA916081115.